The following is an entry in ClinVar:

NM_001318510.2(ACSL4):c.1393G>T (p.Gly465Cys)

Gene: ACSL4 (acyl-CoA synthetase long chain family member 4; minus strand). Cytogenetic location: Xq23.
Variant type: single nucleotide variant.
Coding change: c.1393G>T on transcript NM_001318510.2 (MANE Select); coding-DNA position 1393, G replaced by T.
Protein change: p.Gly465Cys; replaces glycine 465 with cysteine.
Molecular consequence: missense variant.
Genome position (GRCh38, 1-based): chrX:109,663,400, C>A on the plus strand (G>T on the coding strand, the complement: ACSL4 is on the minus strand). VCF-style: chrX-109663400-C-A. GRCh37 (hg19) VCF-style: chrX-108906629-C-A.
Other names: c.1516G>T, p.Gly506Cys (NM_001318509.2, NM_022977.3); c.1393G>T, p.Gly465Cys (NM_004458.3); short protein forms G465C, G506C.
Identifiers: ClinVar variation 1710542 (VCV001710542.2), dbSNP rs148205499, ClinGen allele CA414215680.

ClinVar aggregate classification (germline): Uncertain significance (1 of 4 stars; one submission).

gnomAD v4.1: 1 of 1,205,080 alleles (0.000083%); highest among the groups gnomAD compares: Non-Finnish European, 0.00011%; no homozygotes.

Submission:

GeneDx
Classification: Uncertain significance. Last evaluated: 2022-04-12. Review status: criteria provided, single submitter. Criteria: GeneDx Variant Classification Process June 2021. Collection method: clinical testing. Allele origin: germline. Affected: yes.
Comment: Not observed at significant frequency in large population cohorts (gnomAD); In silico analysis supports that this missense variant has a deleterious effect on protein structure/function; Has not been previously published as pathogenic or benign to our knowledge